The following is an entry in ClinVar:

NM_001278116.2(L1CAM):c.3755C>A (p.Pro1252His)

Gene: L1CAM (L1 cell adhesion molecule; minus strand). Cytogenetic location: Xq28.
Variant type: single nucleotide variant.
Coding change: c.3755C>A on transcript NM_001278116.2 (MANE Select); coding-DNA position 3755, C replaced by A.
Protein change: p.Pro1252His; replaces proline 1252 with histidine.
Molecular consequence: missense variant.
Genome position (GRCh38, 1-based): chrX:153,862,682, G>T on the plus strand (C>A on the coding strand, the complement: L1CAM is on the minus strand). VCF-style: chrX-153862682-G-T. GRCh37 (hg19) VCF-style: chrX-153128137-G-T.
Other names: c.3755C>A, p.Pro1252His (NM_000425.5); c.3728C>A, p.Pro1243His (NM_001143963.2); c.3743C>A, p.Pro1248His (NM_024003.3); short protein forms P1243H, P1248H, P1252H.
Identifiers: ClinVar variation 1698960 (VCV001698960.3), dbSNP rs2148491854, ClinGen allele CA415105732.

ClinVar aggregate classification (germline): Uncertain significance (1 of 4 stars; one submission).

Conditions:
MASA syndrome. Also called: ADDUCTED THUMB WITH MENTAL RETARDATION; CLASPED THUMB AND MENTAL RETARDATION; GAREIS-MASON SYNDROME; MENTAL RETARDATION, APHASIA, SHUFFLING GAIT, AND ADDUCTED THUMBS; MASA (Mental Retardation, Adducted Thumbs, Shuffling Gait, Aphasia) Syndrome, Including SPG1 (X-Linked Complicated Hereditary Spastic Paraplegia Type 1); CRASH syndrome. Identifiers: Orphanet 2466, MedGen C0795953, MONDO:0010559, OMIM 303350.

Submission:

Victorian Clinical Genetics Services, Murdoch Childrens Research Institute
Classification: Uncertain significance for MASA syndrome. Last evaluated: 2022-02-02. Review status: criteria provided, single submitter. Criteria: ACMG Guidelines, 2015. Collection method: clinical testing. Allele origin: germline. Inheritance: X-linked recessive inheritance. Affected: yes.
Comment: Based on the classification scheme VCGS_Germline_v1.3.4, this variant is classified as VUS-3B. Following criteria are met: 0102 - Loss of function is a known mechanism of disease in this gene and is associated with partial agenesis of corpus callosum (MIM#304100), CRASH syndrome (MIM#303350), Hydrocephalus due to aqueductal stenosis (MIM#307000), Hydrocephalus with congenital idiopathic intestinal pseudoobstruction (MIM#307000), Hydrocephalus with Hirschsprung disease (MIM#307000), MASA syndrome (MIM#303350). (I) 0109 - This gene is associated with X-linked recessive disease. (I) 0115 - Variants in this gene are known to have variable expressivity. This gene is well known for its intra- and interfamilial variability in individuals with the same variant (OMIM). (I) 0200 - Variant is predicted to result in a missense amino acid change from proline to histidine. (I) 0253 - This variant is hemizygous. (I) 0301 - Variant is absent from gnomAD (both v2 and v3). (SP) 0502 - Missense variant with conflicting in silico predictions and uninformative conservation. (I) 0604 - Variant is not located in an established domain, motif, hotspot or informative constraint region. (I) 0710 - Another missense variant comparable to the one identified in this case has inconclusive previous evidence for pathogenicity. An alternative change to a serine has been reported once as VUS (ClinVar). (I) 0807 - This variant has no previous evidence of pathogenicity. (I) 0905 - No published segregation evidence has been identified for this variant. (I) 1007 - No published functional evidence has been identified for this variant. (I) 1208 - Inheritance information for this variant is not currently available in this individual. (I) Legend: (SP) - Supporting pathogenic, (I) - Information, (SB) - Supporting benign